The following is an entry in ClinVar:

NM_000702.4(ATP1A2):c.1355C>T (p.Ser452Leu)

Gene: ATP1A2 (ATPase Na+/K+ transporting subunit alpha 2; plus strand). Cytogenetic location: 1q23.2.
Variant type: single nucleotide variant.
Coding change: c.1355C>T on transcript NM_000702.4 (MANE Select); coding-DNA position 1355, C replaced by T.
Protein change: p.Ser452Leu; replaces serine 452 with leucine.
Molecular consequence: missense variant.
Genome position (GRCh38, 1-based): chr1:160,129,294, C>T. VCF-style: chr1-160129294-C-T. GRCh37 (hg19) VCF-style: chr1-160099084-C-T.
Other names: short protein forms S452L.
Identifiers: ClinVar variation 2816321 (VCV002816321.3), dbSNP rs1651693237, ClinGen allele CA343241846.

ClinVar aggregate classification (germline): Uncertain significance (1 of 4 stars; one submission).

Conditions:
Familial hemiplegic migraine. Identifiers: MedGen C0338484, MONDO:0000700.

Allele frequency attached by ClinVar (database versions not stated): TOPMed below 0.00001; gnomAD exomes 0.00001.

Submission:

Labcorp Genetics (formerly Invitae), Labcorp
Classification: Uncertain significance for Familial hemiplegic migraine. Last evaluated: 2024-12-24. Review status: criteria provided, single submitter. Criteria: Invitae Variant Classification Sherloc (09022015). Collection method: clinical testing. Allele origin: germline.
Comment: This sequence change replaces serine, which is neutral and polar, with leucine, which is neutral and non-polar, at codon 452 of the ATP1A2 protein (p.Ser452Leu). This variant is not present in population databases (gnomAD no frequency). This variant has not been reported in the literature in individuals affected with ATP1A2-related conditions. ClinVar contains an entry for this variant (Variation ID: 2816321). Invitae Evidence Modeling of protein sequence and biophysical properties (such as structural, functional, and spatial information, amino acid conservation, physicochemical variation, residue mobility, and thermodynamic stability) indicates that this missense variant is not expected to disrupt ATP1A2 protein function with a negative predictive value of 80%. In summary, the available evidence is currently insufficient to determine the role of this variant in disease. Therefore, it has been classified as a Variant of Uncertain Significance.